The following is an entry in ClinVar:

NM_002294.3(LAMP2):c.580dup (p.Thr194fs)

Gene: LAMP2 (lysosomal associated membrane protein 2; minus strand). Cytogenetic location: Xq24.
Variant type: Duplication.
Coding change: c.580dup on transcript NM_002294.3 (MANE Select); coding-DNA position 580, one base duplicated (A; older notation c.580dupA).
Protein change: p.Thr194fs; shifts the reading frame from threonine 194.
Molecular consequence: frameshift variant.
Genome position (GRCh38, 1-based): chrX:120,448,002, T duplicated on the plus strand (A on the coding strand, the reverse complement: LAMP2 is on the minus strand); the first of 4 consecutive T bases (chrX:120,448,002-120,448,005); duplicating any one gives the same sequence. VCF-style (leftmost placement, unchanged base first): chrX-120448001-G-GT. GRCh37 (hg19) VCF-style: chrX-119581856-G-GT.
Other names: c.580dup (NM_002294.2); c.580dup, p.Thr194fs (NM_001122606.1, NM_013995.2); short protein forms T194fs.
Identifiers: ClinVar variation 4083370 (VCV004083370.1).

ClinVar aggregate classification (germline): Pathogenic (1 of 4 stars; one submission).

Submission:

GeneDx
Classification: Pathogenic. Last evaluated: 2025-03-12. Review status: criteria provided, single submitter. Criteria: GeneDx Variant Classification Process June 2021. Collection method: clinical testing. Allele origin: germline. Affected: yes.
Comment: Not observed at significant frequency in large population cohorts (gnomAD); Frameshift variant predicted to result in protein truncation or nonsense mediated decay in a gene for which loss of function is a known mechanism of disease; This variant is associated with the following publications: (PMID: 34086384)